The following is an entry in ClinVar:

NM_017909.4(RMND1):c.*6T>G

Gene: RMND1 (required for meiotic nuclear division 1 homolog; minus strand). Cytogenetic location: 6q25.1.
Variant type: single nucleotide variant.
Coding change: c.*6T>G on transcript NM_017909.4 (MANE Select); 6 bases downstream of the stop codon, T replaced by G.
Molecular consequence: 3 prime UTR variant.
Genome position (GRCh38, 1-based): chr6:151,405,229, A>C on the plus strand (T>G on the coding strand, the complement: RMND1 is on the minus strand). VCF-style: chr6-151405229-A-C. GRCh37 (hg19) VCF-style: chr6-151726364-A-C.
Other names: c.*6T>G (NM_001271937.2).
Identifiers: ClinVar variation 4981483 (VCV004981483.1).
Genomic context (GRCh38, chr6:151,405,229, plus strand): 5'-CGAACATTTAATTTTTGATTGTAGAACTTGAATATCTCTTGCAGTGACACTTTGGTTATC[A>C]CTTGATCAGAAAAATACTCGTCCCAGCTCAAACATTACCTTAGAATAGAAAGTGAGAATT-3'

ClinVar aggregate classification (germline): Likely benign (1 of 4 stars; one submission).

Conditions:
RMND1-related disorder. Also called: RMND1-related condition.

gnomAD v4.1: 126 of 1,611,422 alleles (0.0078%); highest among the groups gnomAD compares: African/African-American, 0.16%; no homozygotes.

Submission:

PreventionGenetics, part of Exact Sciences
Classification: Likely benign for RMND1-related condition. Last evaluated: 2026-09-17. Review status: criteria provided, single submitter. Criteria: ACMG Guidelines, 2015. Collection method: clinical testing. Allele origin: germline.
Comment: This variant is classified as likely benign based on ACMG/AMP sequence variant interpretation guidelines (Richards et al. 2015 PMID: 25741868, with internal and published modifications).